The following is an entry in ClinVar:

ClinVar aggregate classification (germline): Pathogenic. Review status: reviewed by expert panel (3 of 4 stars). 3 submissions from 3 submitters: Pathogenic (1). 2 of the submissions do not count toward it. Last evaluated 2016-10-18.

Conditions:
Gastric cancer. Also called: Malignant tumor of stomach; Stomach cancer. Identifiers: MedGen C0024623, MeSH D013274, MONDO:0001056, OMIM 613659, HP:0012126.
Breast-ovarian cancer, familial, susceptibility to, 2 (BROVCA2). Also called: BRCA2 Hereditary Breast and Ovarian Cancer. Identifiers: Orphanet 145, MedGen C2675520, MONDO:0012933, OMIM 612555. Disease mechanism: loss of function.

Submissions (3):

Evidence-based Network for the Interpretation of Germline Mutant Alleles (ENIGMA)
Classification: Pathogenic for Breast-ovarian cancer, familial, susceptibility to, 2. Last evaluated: 2016-10-18. Review status: reviewed by expert panel. Criteria: ENIGMA BRCA1/2 Classification Criteria (2015). Collection method: curation. Allele origin: germline.
Comment: Variant allele predicted to encode a truncated non-functional protein.

Consortium of Investigators of Modifiers of BRCA1/2 (CIMBA), c/o University of Cambridge
Classification: Pathogenic for Breast-ovarian cancer, familial, susceptibility to, 2. Last evaluated: 2015-10-02. Review status: criteria provided, single submitter. Criteria: CIMBA Mutation Classification guidelines May 2016. Collection method: clinical testing. Allele origin: germline. Not counted in ClinVar's aggregate classification.

Laboratory for Genotyping Development, RIKEN
Classification: Pathogenic for Gastric cancer. Last evaluated: 2021-07-01. Review status: no assertion criteria provided. Collection method: research. Allele origin: germline. Not counted in ClinVar's aggregate classification.

Literature cited by the submitters: PubMed 36988593 (cited by Laboratory for Genotyping Development, RIKEN).

NM_000059.4(BRCA2):c.798del (p.Phe266fs)

Gene: BRCA2 (BRCA2 DNA repair associated; plus strand). Cytogenetic location: 13q13.1.
Variant type: Deletion.
Coding change: c.798del on transcript NM_000059.4 (MANE Select); coding-DNA position 798, one base deleted (T; older notation c.798delT).
Protein change: p.Phe266fs; shifts the reading frame from phenylalanine 266.
Molecular consequence: frameshift variant.
Genome position (GRCh38, 1-based): chr13:32,332,276, T deleted; the last of 3 consecutive T bases (chr13:32,332,274-32,332,276); deleting any one gives the same sequence. VCF-style (leftmost placement, unchanged base first): chr13-32332273-AT-A. GRCh37 (hg19) VCF-style: chr13-32906410-AT-A.
Other names: 1026delT; short protein forms F266fs.
Identifiers: ClinVar variation 267048 (VCV000267048.20), dbSNP rs886040739, ClinGen allele CA10589052.